The following is an entry in ClinVar:

ClinVar aggregate classification (germline): Likely pathogenic (1 of 4 stars; one submission).

Allele frequency attached by ClinVar (database versions not stated): ExAC 0.00002; gnomAD exomes below 0.00001 and 0.00001; TOPMed 0.00001.
gnomAD v4.1: 10 of 1,612,754 alleles (0.00062%); highest among the groups gnomAD compares: East Asian, 0.0045%; no homozygotes.

Submission:

Labcorp Genetics (formerly Invitae), Labcorp
Classification: Likely pathogenic. Last evaluated: 2025-11-04. Review status: criteria provided, single submitter. Criteria: Invitae Variant Classification Sherloc (09022015). Collection method: clinical testing. Allele origin: germline.
Comment: This sequence change affects a donor splice site in intron 22 of the SKIV2L gene. It is expected to disrupt RNA splicing. Variants that disrupt the donor or acceptor splice site typically lead to a loss of protein function (PMID: 16199547), and loss-of-function variants in SKIV2L are known to be pathogenic (PMID: 22444670). This variant is present in population databases (rs760280924, gnomAD 0.01%). This variant has not been reported in the literature in individuals affected with SKIV2L-related conditions. ClinVar contains an entry for this variant (Variation ID: 1483344). Algorithms developed to predict the effect of sequence changes on RNA splicing suggest that this variant may disrupt the consensus splice site. In summary, the currently available evidence indicates that the variant is pathogenic, but additional data are needed to prove that conclusively. Therefore, this variant has been classified as Likely Pathogenic.

Literature cited by the submitters: PubMed 16199547; PubMed 22444670.

NM_006929.5(SKIC2):c.2731+2T>C

Gene: SKIC2 (SKI2 subunit of superkiller complex; plus strand). Cytogenetic location: 6p21.33.
Variant type: single nucleotide variant.
Coding change: c.2731+2T>C on transcript NM_006929.5 (MANE Select); the canonical splice donor site of the intron after coding-DNA position 2731, T replaced by C.
Molecular consequence: splice donor variant.
Genome position (GRCh38, 1-based): chr6:31,967,864, T>C. VCF-style: chr6-31967864-T-C. GRCh37 (hg19) VCF-style: chr6-31935641-T-C.
Identifiers: ClinVar variation 1483344 (VCV001483344.8), dbSNP rs760280924, ClinGen allele CA3729852.